The following is an entry in ClinVar:

NM_003560.4(PLA2G6):c.260A>C (p.Tyr87Ser)

Gene: PLA2G6 (phospholipase A2 group VI; minus strand). Cytogenetic location: 22q13.1.
Variant type: single nucleotide variant.
Coding change: c.260A>C on transcript NM_003560.4 (MANE Select); coding-DNA position 260, A replaced by C.
Protein change: p.Tyr87Ser; replaces tyrosine 87 with serine.
Molecular consequence: missense variant. On other transcripts: 5 prime UTR variant (3).
Genome position (GRCh38, 1-based): chr22:38,145,603, T>G on the plus strand (A>C on the coding strand, the complement: PLA2G6 is on the minus strand). VCF-style: chr22-38145603-T-G. GRCh37 (hg19) VCF-style: chr22-38541610-T-G.
Other names: c.260A>C, p.Tyr87Ser (NM_001004426.3, NM_001199562.3, NM_001349864.2 and 2 more transcripts); c.-275A>C (NM_001349867.2, NM_001349869.2); c.-231A>C (NM_001349868.2); short protein forms Y87S.
Identifiers: ClinVar variation 1487804 (VCV001487804.6), dbSNP rs2145831024, ClinGen allele CA411532421.
Genomic context (GRCh38, chr22:38,145,603, plus strand): 5'-AGGACCTCAGTGTGCAGGACCTGAGGGGAGCTCTCATAGAAGGGTAGCAGCTGGGAAGAA[T>G]ACTGATGGAAATTCACTAGGGCGTCAGCCTCCAACTCCAGCTGGAAGAGTCTGTAGAGCC-3'
Protein context (NP_003551.2, residues 77-97): EADALVNFHQ[Tyr87Ser]SSQLLPFYES

ClinVar aggregate classification (germline): Uncertain significance (1 of 4 stars; one submission).

Conditions:
Infantile neuroaxonal dystrophy (NBIA2A). Also called: NEURODEGENERATION WITH BRAIN IRON ACCUMULATION 2A; SEITELBERGER DISEASE; Infantile neuroaxonal dystrophy 1. Identifiers: Orphanet 35069, MedGen C0270724, MONDO:0024457, OMIM 256600.

Submission:

Labcorp Genetics (formerly Invitae), Labcorp
Classification: Uncertain significance for Infantile neuroaxonal dystrophy. Last evaluated: 2025-10-02. Review status: criteria provided, single submitter. Criteria: Invitae Variant Classification Sherloc (09022015). Collection method: clinical testing. Allele origin: germline.
Comment: This sequence change replaces tyrosine, which is neutral and polar, with serine, which is neutral and polar, at codon 87 of the PLA2G6 protein (p.Tyr87Ser). This variant is not present in population databases (gnomAD no frequency). This variant has not been reported in the literature in individuals affected with PLA2G6-related conditions. ClinVar contains an entry for this variant (Variation ID: 1487804). Invitae Evidence Modeling of protein sequence and biophysical properties (such as structural, functional, and spatial information, amino acid conservation, physicochemical variation, residue mobility, and thermodynamic stability) has been performed for this missense variant. However, the output from this modeling did not meet the statistical confidence thresholds required to predict the impact of this variant on PLA2G6 protein function. In summary, the available evidence is currently insufficient to determine the role of this variant in disease. Therefore, it has been classified as a Variant of Uncertain Significance.